The following is an entry in ClinVar:

NM_001048174.2(MUTYH):c.472C>G (p.Leu158Val)

Gene: MUTYH (mutY DNA glycosylase; minus strand). Cytogenetic location: 1p34.1.
Variant type: single nucleotide variant.
Coding change: c.472C>G on transcript NM_001048174.2 (MANE Select); coding-DNA position 472, C replaced by G.
Protein change: p.Leu158Val; replaces leucine 158 with valine.
Molecular consequence: missense variant. On other transcripts: non-coding transcript variant (7).
Genome position (GRCh38, 1-based): chr1:45,332,783, G>C on the plus strand (C>G on the coding strand, the complement: MUTYH is on the minus strand). VCF-style: chr1-45332783-G-C. GRCh37 (hg19) VCF-style: chr1-45798455-G-C.
Other names: c.472C>G, p.Leu158Val (NM_001048171.2, NM_001048173.2, NM_001293195.2 and 6 more transcripts); c.475C>G, p.Leu159Val (NM_001048172.2, NM_001407071.1, NM_001407078.1 and 1 more transcripts); c.556C>G, p.Leu186Val (NM_001128425.2); c.517C>G, p.Leu173Val (NM_001293190.2); c.505C>G, p.Leu169Val (NM_001293191.2, NM_001407069.1, NM_001407077.1); c.196C>G, p.Leu66Val (NM_001293192.2, NM_001293196.2, NM_001407091.1); c.127C>G, p.Leu43Val (NM_001350650.2, NM_001350651.2, NM_001407082.1); c.388C>G, p.Leu130Val (NM_001407075.1); and 5 more; short protein forms L130V, L144V, L145V, L158V, L159V, L165V, L169V, L172V.
Identifiers: ClinVar variation 3894192 (VCV003894192.1).
Genomic context (GRCh38, chr1:45,332,783, plus strand): 5'-CCAAGACTCCTGGGTTCCTACCCTCCTGCCATCCCCTTACCTTCCGAGCTCCCTCCTGCA[G>C]CCGCCGGCCACGAGAATAGTAGCCCAGGCCAGCCCAGAGTTGATTCACCTCCTGTGGGTA-3'
Protein context (NP_001041639.1, residues 148-168): GLGYYSRGRR[Leu158Val]QEGARKVVEE

ClinVar aggregate classification (germline): Uncertain significance (1 of 4 stars; one submission).

Conditions:
Hereditary cancer-predisposing syndrome. Also called: Neoplastic Syndromes, Hereditary; Tumor predisposition; Hereditary Cancer Syndrome; Hereditary neoplastic syndrome. Identifiers: Orphanet 140162, MedGen C0027672, MeSH D009386, MONDO:0015356.

Submission:

Color Diagnostics, LLC DBA Color Health
Classification: Uncertain significance for Hereditary cancer-predisposing syndrome. Last evaluated: 2025-01-06. Review status: criteria provided, single submitter. Criteria: ACMG Guidelines, 2015. Collection method: clinical testing. Allele origin: germline.
Comment: This missense variant replaces leucine with valine at codon 186 of the MUTYH protein. Computational prediction suggests that this variant may have deleterious impact on protein structure and function (internally defined REVEL score threshold >= 0.7, PMID: 27666373). To our knowledge, functional studies have not been reported for this variant. This variant has not been reported in individuals affected with MUTYH-related disorders in the literature. This variant has not been identified in the general population by the Genome Aggregation Database (gnomAD). The available evidence is insufficient to determine the role of this variant in disease conclusively. Therefore, this variant is classified as a Variant of Uncertain Significance.